The following is an entry in ClinVar:

NM_205836.3(FBXO38):c.3553G>A (p.Asp1185Asn)

Gene: FBXO38 (F-box protein 38; plus strand). Cytogenetic location: 5q32.
Variant type: single nucleotide variant.
Coding change: c.3553G>A on transcript NM_205836.3 (MANE Select); coding-DNA position 3553, G replaced by A.
Protein change: p.Asp1185Asn; replaces aspartic acid 1185 with asparagine.
Molecular consequence: missense variant.
Genome position (GRCh38, 1-based): chr5:148,442,133, G>A. VCF-style: chr5-148442133-G-A. GRCh37 (hg19) VCF-style: chr5-147821696-G-A.
Other names: c.2818G>A, p.Asp940Asn (NM_001271723.2); c.3328G>A, p.Asp1110Asn (NM_030793.5); short protein forms D1110N, D1185N, D940N.
Identifiers: ClinVar variation 3367688 (VCV003367688.1).

ClinVar aggregate classification (germline): Uncertain significance (1 of 4 stars; one submission).

Submission:

GeneDx
Classification: Uncertain significance. Last evaluated: 2024-01-08. Review status: criteria provided, single submitter. Criteria: GeneDx Variant Classification Process June 2021. Collection method: clinical testing. Allele origin: germline. Affected: yes.
Comment: Not observed at significant frequency in large population cohorts (gnomAD); In silico analysis supports that this missense variant has a deleterious effect on protein structure/function; Has not been previously published as pathogenic or benign to our knowledge